The following is an entry in ClinVar:

NM_024809.5(TCTN2):c.910T>C (p.Cys304Arg)

Gene: TCTN2 (tectonic family member 2; plus strand). Cytogenetic location: 12q24.31.
Variant type: single nucleotide variant.
Coding change: c.910T>C on transcript NM_024809.5 (MANE Select); coding-DNA position 910, T replaced by C.
Protein change: p.Cys304Arg; replaces cysteine 304 with arginine.
Molecular consequence: missense variant.
Genome position (GRCh38, 1-based): chr12:123,690,551, T>C. VCF-style: chr12-123690551-T-C. GRCh37 (hg19) VCF-style: chr12-124175098-T-C.
Other names: c.907T>C, p.Cys303Arg (NM_001143850.3); c.910T>C (NM_024809.3); short protein forms C303R, C304R.
Identifiers: ClinVar variation 1468199 (VCV001468199.6), dbSNP rs765523709, ClinGen allele CA6861049.
Genomic context (GRCh38, chr12:123,690,551, plus strand): 5'-GAGAGAGGCCATAAATCTGTTGGCTTTGCCCTTCTCCCTCAGGTGTCCCTGGCTGGGCAG[T>C]GTATGCAGAACGCCCCAGTGGCATTTCTTCACAATTTTGATGTTAAATGCGTTACTAATT-3'
Protein context (NP_079085.2, residues 294-314): TIPQVSLAGQ[Cys304Arg]MQNAPVAFLH

ClinVar aggregate classification (germline): Uncertain significance. Review status: criteria provided, multiple submitters, no conflicts (2 of 4 stars). 2 submissions from 2 submitters: Uncertain significance (2). Last evaluated 2025-04-15.

Conditions:
Inborn genetic diseases. Identifiers: MedGen C0950123, MeSH D030342.
Meckel-Gruber syndrome. Also called: DYSENCEPHALIA SPLANCHNOCYSTICA; GRUBER SYNDROME; Dysencephalia splachnocystica. Identifiers: Orphanet 564, MedGen C0265215, MONDO:0018921.
Joubert syndrome. Also called: CEREBELLOPARENCHYMAL DISORDER IV; JOUBERT-BOLTSHAUSER SYNDROME; Familial aplasia of the vermis. Identifiers: Orphanet 475, MedGen C5979921, MONDO:0018772.

Allele frequency attached by ClinVar (database versions not stated): TOPMed 0.00004; gnomAD 0.00005 and 0.00006; gnomAD exomes 0.00006 and 0.00002; ExAC 0.00003.
gnomAD v4.1: 87 of 1,614,098 alleles (0.0054%); highest among the groups gnomAD compares: Non-Finnish European, 0.0073%; no homozygotes.

Submissions (2):

Ambry Genetics
Classification: Uncertain significance for Inborn genetic diseases. Last evaluated: 2025-04-15. Review status: criteria provided, single submitter. Criteria: Ambry Variant Classification Scheme 2023. Collection method: clinical testing. Allele origin: germline.

Labcorp Genetics (formerly Invitae), Labcorp
Classification: Uncertain significance for Joubert syndrome; Meckel-Gruber syndrome. Last evaluated: 2022-10-04. Review status: criteria provided, single submitter. Criteria: Invitae Variant Classification Sherloc (09022015). Collection method: clinical testing. Allele origin: germline.
Comment: This sequence change replaces cysteine, which is neutral and slightly polar, with arginine, which is basic and polar, at codon 304 of the TCTN2 protein (p.Cys304Arg). This variant is present in population databases (rs765523709, gnomAD 0.006%). This variant has not been reported in the literature in individuals affected with TCTN2-related conditions. ClinVar contains an entry for this variant (Variation ID: 1468199). Advanced modeling of protein sequence and biophysical properties (such as structural, functional, and spatial information, amino acid conservation, physicochemical variation, residue mobility, and thermodynamic stability) performed at Invitae indicates that this missense variant is expected to disrupt TCTN2 protein function. In summary, the available evidence is currently insufficient to determine the role of this variant in disease. Therefore, it has been classified as a Variant of Uncertain Significance.